The following is an entry in ClinVar:

NM_004336.5(BUB1):c.497A>C (p.Gln166Pro)

Gene: BUB1 (BUB1 mitotic checkpoint serine/threonine kinase; minus strand). Cytogenetic location: 2q13.
Variant type: single nucleotide variant.
Coding change: c.497A>C on transcript NM_004336.5 (MANE Select); coding-DNA position 497, A replaced by C.
Protein change: p.Gln166Pro; replaces glutamine 166 with proline.
Molecular consequence: missense variant.
Genome position (GRCh38, 1-based): chr2:110,669,523, T>G on the plus strand (A>C on the coding strand, the complement: BUB1 is on the minus strand). VCF-style: chr2-110669523-T-G. GRCh37 (hg19) VCF-style: chr2-111427100-T-G.
Other names: c.437A>C, p.Gln146Pro (NM_001278616.2); c.497A>C, p.Gln166Pro (NM_001278617.2); short protein forms Q146P, Q166P.
Identifiers: ClinVar variation 2446968 (VCV002446968.2), dbSNP rs1690359641, ClinGen allele CA348219293.

ClinVar aggregate classification (germline): Uncertain significance (1 of 4 stars; one submission).

gnomAD v4.1: 5 of 1,609,018 alleles (0.00031%); highest among the groups gnomAD compares: Non-Finnish European, 0.00043%; no homozygotes.

Submission:

Ambry Genetics
Classification: Uncertain significance. Last evaluated: 2023-01-04. Review status: criteria provided, single submitter. Criteria: Ambry Variant Classification Scheme 2023. Collection method: clinical testing. Allele origin: germline.
Comment: The p.Q166P variant (also known as c.497A>C), located in coding exon 6 of the BUB1 gene, results from an A to C substitution at nucleotide position 497. The glutamine at codon 166 is replaced by proline, an amino acid with similar properties. This amino acid position is conserved. In addition, this alteration is predicted to be tolerated by in silico analysis. Since supporting evidence is limited at this time, the clinical significance of this alteration remains unclear.